The following is an entry in ClinVar:

NM_002637.4(PHKA1):c.2462G>A (p.Arg821His)

Gene: PHKA1 (phosphorylase kinase regulatory subunit alpha 1; minus strand). Cytogenetic location: Xq13.1.
Variant type: single nucleotide variant.
Coding change: c.2462G>A on transcript NM_002637.4 (MANE Select); coding-DNA position 2462, G replaced by A.
Protein change: p.Arg821His; replaces arginine 821 with histidine.
Molecular consequence: missense variant.
Genome position (GRCh38, 1-based): chrX:72,611,092, C>T on the plus strand (G>A on the coding strand, the complement: PHKA1 is on the minus strand). VCF-style: chrX-72611092-C-T. GRCh37 (hg19) VCF-style: chrX-71830942-C-T.
Other names: p.Arg821His; c.2462G>A, p.Arg821His (NM_001122670.2); c.2285G>A, p.Arg762His (NM_001172436.2); short protein forms R821H, R762H.
Identifiers: ClinVar variation 258784 (VCV000258784.21), dbSNP rs139803629, ClinGen allele CA10450686.

ClinVar aggregate classification (germline): Benign/Likely benign. Review status: criteria provided, multiple submitters, no conflicts (2 of 4 stars). 9 submissions from 9 submitters: Benign (4); Likely benign (3). 2 of the submissions do not count toward it. Last evaluated 2026-01-28.

Conditions:
Glycogen storage disease IXd (GSD9D). Also called: Muscle Phosphorylase Kinase Deficiency; GSD IXd. Identifiers: Orphanet 715, MedGen C1845151, MONDO:0010362, OMIM 300559.

Allele frequency attached by ClinVar (database versions not stated): 1000 Genomes Project 30x 0.00125; 1000 Genomes Project 0.00132; gnomAD 0.00271 and 0.00280; TOPMed 0.00277; ESP Exome Variant Server 0.00303; gnomAD exomes 0.00331 and 0.00463; ExAC 0.00405.
gnomAD v4.1: 5,348 of 1,203,695 alleles (0.44%); highest among the groups gnomAD compares: Non-Finnish European, 0.56%; 12 homozygotes.

Submissions (9):

Labcorp Genetics (formerly Invitae), Labcorp
Classification: Benign for Glycogen storage disease IXd. Last evaluated: 2026-01-28. Review status: criteria provided, single submitter. Criteria: Invitae Variant Classification Sherloc (09022015). Collection method: clinical testing. Allele origin: germline.

Blueprint Genetics
Classification: Likely benign. Last evaluated: 2024-11-28. Review status: criteria provided, single submitter. Criteria: ACMG Guidelines, 2015. Collection method: clinical testing. Allele origin: germline.

Mayo Clinic Laboratories, Mayo Clinic
Classification: Benign. Last evaluated: 2023-01-12. Review status: criteria provided, single submitter. Criteria: ACMG Guidelines, 2015. Collection method: clinical testing. Allele origin: germline. Observed: 7 variant alleles.
Comment: BS1, BS2

Illumina Laboratory Services, Illumina
Classification: Benign for Glycogen storage disease IXd. Last evaluated: 2018-01-13. Review status: criteria provided, single submitter. Criteria: ICSL Variant Classification Criteria 13 December 2019. Collection method: clinical testing. Allele origin: germline.
Comment: This variant was observed in the ICSL laboratory as part of a predisposition screen in an ostensibly healthy population. It had not been previously curated by ICSL or reported in the Human Gene Mutation Database (HGMD: prior to June 1st, 2018), and was therefore a candidate for classification through an automated scoring system. Utilizing variant allele frequency, disease prevalence and penetrance estimates, and inheritance mode, an automated score was calculated to assess if this variant is too frequent to cause the disease. Based on the score and internal cut-off values, a variant classified as benign is not then subjected to further curation. The score for this variant resulted in a classification of benign for this disease.

GeneDx
Classification: Benign. Last evaluated: 2016-11-09. Review status: criteria provided, single submitter. Criteria: GeneDx Variant Classification (06012015). Collection method: clinical testing. Allele origin: germline. Affected: yes.
Comment: This variant is considered likely benign or benign based on one or more of the following criteria: it is a conservative change, it occurs at a poorly conserved position in the protein, it is predicted to be benign by multiple in silico algorithms, and/or has population frequency not consistent with disease.

Breakthrough Genomics
Classification: Likely benign. Review status: criteria provided, single submitter. Criteria: ACMG Guidelines, 2015. Collection method: not provided. Allele origin: germline. Inheritance: X-linked inheritance. Affected: yes.

PreventionGenetics, part of Exact Sciences
Classification: Likely benign. Review status: criteria provided, single submitter. Criteria: ACMG Guidelines, 2015. Collection method: clinical testing. Allele origin: germline.

Clinical Genetics DNA and cytogenetics Diagnostics Lab, Erasmus MC, Erasmus Medical Center
Classification: Benign. Review status: no assertion criteria provided. Collection method: clinical testing. Allele origin: germline. Affected: yes. Study: VKGL Data-share Consensus. Not counted in ClinVar's aggregate classification.

Laboratory of Diagnostic Genome Analysis, Leiden University Medical Center (LUMC)
Classification: Likely benign. Review status: no assertion criteria provided. Collection method: clinical testing. Allele origin: germline. Affected: yes. Study: VKGL Data-share Consensus. Not counted in ClinVar's aggregate classification.